The following is an entry in ClinVar:

ClinVar aggregate classification (germline): Pathogenic (1 of 4 stars; one submission).

Conditions:
Hyper-IgM syndrome type 1. Also called: Hyper-IgM Immunodeficiency Syndrome, Type 1; CD40 Ligand Deficiency; X-linked hyper-IgM syndrome; Immunodeficiency, X-linked, with hyper-IgM. Identifiers: Orphanet 101088, MedGen C0398689, MONDO:0010626, OMIM 308230.

Submission:

Labcorp Genetics (formerly Invitae), Labcorp
Classification: Pathogenic for Hyper-IgM syndrome type 1. Last evaluated: 2024-09-04. Review status: criteria provided, single submitter. Criteria: Invitae Variant Classification Sherloc (09022015). Collection method: clinical testing. Allele origin: germline.
Comment: This sequence change affects a donor splice site in intron 1 of the CD40LG gene. It is expected to disrupt RNA splicing. Variants that disrupt the donor or acceptor splice site typically lead to a loss of protein function (PMID: 16199547), and loss-of-function variants in CD40LG are known to be pathogenic (PMID: 15319456). This variant is not present in population databases (gnomAD no frequency). Disruption of this splice site has been observed in individuals with hyper IgM syndrome (PMID: 8550833, 19575287, 31117086). Algorithms developed to predict the effect of sequence changes on RNA splicing suggest that this variant may disrupt the consensus splice site. For these reasons, this variant has been classified as Pathogenic.

Literature cited by the submitters: PubMed 16199547; PubMed 15319456; PubMed 8550833; PubMed 19575287; PubMed 31117086.

NM_000074.3(CD40LG):c.156+1G>T

Gene: CD40LG (CD40 ligand; plus strand). Cytogenetic location: Xq26.3.
Variant type: single nucleotide variant.
Coding change: c.156+1G>T on transcript NM_000074.3 (MANE Select); the canonical splice donor site of the intron after coding-DNA position 156, G replaced by T.
Molecular consequence: splice donor variant.
Genome position (GRCh38, 1-based): chrX:136,648,405, G>T. VCF-style: chrX-136648405-G-T. GRCh37 (hg19) VCF-style: chrX-135730564-G-T.
Identifiers: ClinVar variation 3724513 (VCV003724513.2).